The following is an entry in ClinVar:

ClinVar aggregate classification (germline): Uncertain significance (1 of 4 stars; one submission).

Conditions:
Hereditary cancer-predisposing syndrome. Also called: Hereditary neoplastic syndrome; Neoplastic Syndromes, Hereditary; Tumor predisposition; Hereditary Cancer Syndrome. Identifiers: Orphanet 140162, MedGen C0027672, MeSH D009386, MONDO:0015356.

Submission:

Ambry Genetics
Classification: Uncertain significance for Hereditary cancer-predisposing syndrome. Last evaluated: 2025-07-14. Review status: criteria provided, single submitter. Criteria: Ambry Variant Classification Scheme 2023. Collection method: clinical testing. Allele origin: germline.
Comment: The p.C553F variant (also known as c.1658G>T), located in coding exon 17 of the RB1 gene, results from a G to T substitution at nucleotide position 1658. The cysteine at codon 553 is replaced by phenylalanine, an amino acid with highly dissimilar properties. This amino acid position is conserved. In addition, this alteration is predicted to be deleterious by in silico analysis. Based on the available evidence, the clinical significance of this variant remains unclear.

NM_000321.3(RB1):c.1658G>T (p.Cys553Phe)

Gene: RB1 (RB transcriptional corepressor 1; plus strand). Cytogenetic location: 13q14.2.
Variant type: single nucleotide variant.
Coding change: c.1658G>T on transcript NM_000321.3 (MANE Select); coding-DNA position 1658, G replaced by T.
Protein change: p.Cys553Phe; replaces cysteine 553 with phenylalanine.
Molecular consequence: missense variant.
Genome position (GRCh38, 1-based): chr13:48,381,406, G>T. VCF-style: chr13-48381406-G-T. GRCh37 (hg19) VCF-style: chr13-48955542-G-T.
Other names: c.1658G>T, p.Cys553Phe (NM_001407165.1, NM_001407166.1); short protein forms C553F.
Identifiers: ClinVar variation 4151195 (VCV004151195.1).